The following is an entry in ClinVar:

NM_024741.3(ZNF408):c.316C>T (p.Pro106Ser)

Gene: ZNF408 (zinc finger protein 408; plus strand). Cytogenetic location: 11p11.2.
Variant type: single nucleotide variant.
Coding change: c.316C>T on transcript NM_024741.3 (MANE Select); coding-DNA position 316, C replaced by T.
Protein change: p.Pro106Ser; replaces proline 106 with serine.
Molecular consequence: missense variant.
Genome position (GRCh38, 1-based): chr11:46,701,662, C>T. VCF-style: chr11-46701662-C-T. GRCh37 (hg19) VCF-style: chr11-46723212-C-T.
Other names: c.292C>T, p.Pro98Ser (NM_001184751.2); short protein forms P106S, P98S.
Identifiers: ClinVar variation 2990482 (VCV002990482.3), dbSNP rs1435670579, ClinGen allele CA380251967.

ClinVar aggregate classification (germline): Uncertain significance (1 of 4 stars; one submission).

Allele frequency attached by ClinVar (database versions not stated): TOPMed below 0.00001; gnomAD 0.00001; gnomAD exomes 0.00001.

Submission:

Labcorp Genetics (formerly Invitae), Labcorp
Classification: Uncertain significance. Last evaluated: 2022-11-01. Review status: criteria provided, single submitter. Criteria: Invitae Variant Classification Sherloc (09022015). Collection method: clinical testing. Allele origin: germline.
Comment: This sequence change replaces proline, which is neutral and non-polar, with serine, which is neutral and polar, at codon 106 of the ZNF408 protein (p.Pro106Ser). This variant is not present in population databases (gnomAD no frequency). This variant has not been reported in the literature in individuals affected with ZNF408-related conditions. Algorithms developed to predict the effect of missense changes on protein structure and function (SIFT, PolyPhen-2, Align-GVGD) all suggest that this variant is likely to be tolerated. In summary, the available evidence is currently insufficient to determine the role of this variant in disease. Therefore, it has been classified as a Variant of Uncertain Significance.